The following is an entry in ClinVar:

ClinVar aggregate classification (germline): Uncertain significance (1 of 4 stars; one submission).

Conditions:
Familial thoracic aortic aneurysm and aortic dissection (TAAD). Also called: Thoracic aortic aneurysms and dissections. Identifiers: Orphanet 91387, MedGen C4707243, MONDO:0019625.

Allele frequency attached by ClinVar (database versions not stated): ExAC 0.00001; gnomAD exomes 0.00001.
gnomAD v4.1: 3 of 1,614,042 alleles (0.00019%); highest among the groups gnomAD compares: South Asian, 0.0011%; no homozygotes.

Submission:

All of Us Research Program, National Institutes of Health
Classification: Uncertain significance for Familial thoracic aortic aneurysm and aortic dissection. Last evaluated: 2023-05-04. Review status: criteria provided, single submitter. Criteria: ACMG Guidelines, 2015. Collection method: clinical testing. Allele origin: germline. Inheritance: Autosomal dominant inheritance. Observed: 1 variant allele, 1 heterozygote.
Comment: This missense variant replaces methionine with isoleucine at codon 315 of the ACTA2 protein. Computational prediction is inconclusive regarding the impact of this variant on protein structure and function (internally defined REVEL score threshold 0.5 < inconclusive < 0.7, PMID: 27666373). To our knowledge, functional studies have not been reported for this variant. This variant has not been reported in individuals affected with cardiovascular disorders in the literature. This variant has been identified in 1/250976 chromosomes in the general population by the Genome Aggregation Database (gnomAD). The available evidence is insufficient to determine the role of this variant in disease conclusively. Therefore, this variant is classified as a Variant of Uncertain Significance.

This study involves interpretation of variants in research participants for the purpose of population health screening. Participant phenotype was not available at the time of variant classification. Additional details can be found in publication PMID: 35346344, PMCID: PMC8962531

NM_001613.4(ACTA2):c.945G>A (p.Met315Ile)

Genes: ACTA2-AS1 (ACTA2 antisense RNA 1; plus strand), ACTA2 (actin alpha 2, smooth muscle; minus strand). Cytogenetic location: 10q23.31.
Variant type: single nucleotide variant.
Coding change: c.945G>A on transcript NM_001613.4 (MANE Select); coding-DNA position 945, G replaced by A.
Protein change: p.Met315Ile; replaces methionine 315 with isoleucine.
Molecular consequence: missense variant.
Genome position (GRCh38, 1-based): chr10:88,938,106, C>T on the plus strand (G>A on the coding strand, the complement: ACTA2 is on the minus strand). VCF-style: chr10-88938106-C-T. GRCh37 (hg19) VCF-style: chr10-90697863-C-T.
Other names: c.945G>A, p.Met315Ile (NM_001141945.3, NM_001320855.2, NM_001406462.1 and 2 more transcripts); c.834G>A, p.Met278Ile (NM_001406466.1); c.816G>A, p.Met272Ile (NM_001406467.1, NM_001406468.1, NM_001406469.1); c.753G>A, p.Met251Ile (NM_001406471.1); short protein forms M251I, M272I, M278I, M315I.
Identifiers: ClinVar variation 3075538 (VCV003075538.1), dbSNP rs746764871, ClinGen allele CA030004.